The following is an entry in ClinVar:

NM_002471.4(MYH6):c.3105+5G>C

Gene: MYH6 (myosin heavy chain 6; minus strand). Cytogenetic location: 14q11.2.
Variant type: single nucleotide variant.
Coding change: c.3105+5G>C on transcript NM_002471.4 (MANE Select); 5 bases into the intron after coding-DNA position 3105, G replaced by C.
Molecular consequence: intron variant.
Genome position (GRCh38, 1-based): chr14:23,393,337, C>G on the plus strand (G>C on the coding strand, the complement: MYH6 is on the minus strand). VCF-style: chr14-23393337-C-G. GRCh37 (hg19) VCF-style: chr14-23862546-C-G.
Identifiers: ClinVar variation 1727678 (VCV001727678.2), dbSNP rs368091369, ClinGen allele CA7115312.

ClinVar aggregate classification (germline): Uncertain significance (1 of 4 stars; one submission).

Conditions:
Cardiovascular phenotype. Identifiers: MedGen CN230736.

Allele frequency attached by ClinVar (database versions not stated): gnomAD exomes below 0.00001; ExAC 0.00001; ESP Exome Variant Server 0.00008.
gnomAD v4.1: 1 of 1,614,196 alleles (0.000062%); highest among the groups gnomAD compares: African/African-American, 0.0013%; no homozygotes.

Submission:

Ambry Genetics
Classification: Uncertain significance for Cardiovascular phenotype. Last evaluated: 2022-03-25. Review status: criteria provided, single submitter. Criteria: Ambry Variant Classification Scheme 2023. Collection method: clinical testing. Allele origin: germline.
Comment: The c.3105+5G>C intronic variant results from a G to C substitution 5 nucleotides after coding exon 21 in the MYH6 gene. This nucleotide position is highly conserved in available vertebrate species. In silico splice site analysis predicts that this alteration will weaken the native splice donor site and will result in the creation or strengthening of a novel splice donor site. Since supporting evidence is limited at this time, the clinical significance of this alteration remains unclear.